The following is an entry in ClinVar:

NM_001378418.1(TCF20):c.1688G>A (p.Gly563Asp)

Gene: TCF20 (transcription factor 20; minus strand). Cytogenetic location: 22q13.2.
Variant type: single nucleotide variant.
Coding change: c.1688G>A on transcript NM_001378418.1 (MANE Select); coding-DNA position 1688, G replaced by A.
Protein change: p.Gly563Asp; replaces glycine 563 with aspartic acid.
Molecular consequence: missense variant.
Genome position (GRCh38, 1-based): chr22:42,213,618, C>T on the plus strand (G>A on the coding strand, the complement: TCF20 is on the minus strand). VCF-style: chr22-42213618-C-T. GRCh37 (hg19) VCF-style: chr22-42609624-C-T.
Other names: c.1688G>A, p.Gly563Asp (NM_005650.4, NM_181492.3); short protein forms G563D.
Identifiers: ClinVar variation 2057164 (VCV002057164.2), dbSNP rs771217093, ClinGen allele CA411790277.

ClinVar aggregate classification (germline): Uncertain significance (1 of 4 stars; one submission).

gnomAD v4.1: 1 of 1,614,090 alleles (0.000062%); no homozygotes.

Submission:

Labcorp Genetics (formerly Invitae), Labcorp
Classification: Uncertain significance. Last evaluated: 2022-08-22. Review status: criteria provided, single submitter. Criteria: Invitae Variant Classification Sherloc (09022015). Collection method: clinical testing. Allele origin: germline.
Comment: In summary, the available evidence is currently insufficient to determine the role of this variant in disease. Therefore, it has been classified as a Variant of Uncertain Significance. Algorithms developed to predict the effect of missense changes on protein structure and function (SIFT, PolyPhen-2, Align-GVGD) all suggest that this variant is likely to be tolerated. This variant has not been reported in the literature in individuals affected with TCF20-related conditions. This variant is not present in population databases (gnomAD no frequency). This sequence change replaces glycine, which is neutral and non-polar, with aspartic acid, which is acidic and polar, at codon 563 of the TCF20 protein (p.Gly563Asp).